The following is an entry in ClinVar:

NM_001105206.3(LAMA4):c.*1C>T

Gene: LAMA4 (laminin subunit alpha 4; minus strand). Cytogenetic location: 6q21.
Variant type: single nucleotide variant.
Coding change: c.*1C>T on transcript NM_001105206.3 (MANE Select); 1 bases downstream of the stop codon, C replaced by T.
Molecular consequence: 3 prime UTR variant.
Genome position (GRCh38, 1-based): chr6:112,109,436, G>A on the plus strand (C>T on the coding strand, the complement: LAMA4 is on the minus strand). VCF-style: chr6-112109436-G-A. GRCh37 (hg19) VCF-style: chr6-112430639-G-A.
Other names: c.*1C>T (NM_001105207.3, NM_002290.5).
Identifiers: ClinVar variation 178046 (VCV000178046.10), dbSNP rs148811960, ClinGen allele CA181279.

ClinVar aggregate classification (germline): Conflicting classifications of pathogenicity. Review status: criteria provided, conflicting classifications (1 of 4 stars). 4 submissions from 4 submitters: Uncertain significance (2); Likely benign (1). 1 of the submissions does not count toward it. Last evaluated 2019-01-03.

Conditions:
Cardiomyopathy (CMYO). Also called: Cardiomyopathies. Identifiers: Orphanet 167848, MedGen C0878544, MONDO:0004994, HP:0001638. Inheritance: Various modes of inheritance.
Cardiovascular phenotype. Identifiers: MedGen CN230736.

Allele frequency attached by ClinVar (database versions not stated): gnomAD exomes 0.00010; ExAC 0.00013; 1000 Genomes Project 30x 0.00016; 1000 Genomes Project 0.00020; gnomAD 0.00044 and 0.00048; TOPMed 0.00051; ESP Exome Variant Server 0.00054.

Submissions (4):

GeneDx
Classification: Likely benign. Last evaluated: 2019-01-03. Review status: criteria provided, single submitter. Criteria: GeneDx Variant Classification Process June 2021. Collection method: clinical testing. Allele origin: germline. Affected: yes.

Ambry Genetics
Classification: Uncertain significance for Cardiovascular phenotype. Last evaluated: 2017-10-10. Review status: criteria provided, single submitter. Criteria: Ambry Autosomal Dominant and X-Linked criteria (3/2017). Collection method: clinical testing. Allele origin: germline. Observed: 1 variant allele.
Comment: There is insufficient or conflicting evidence for classification of this alteration.

CHEO Genetics Diagnostic Laboratory, Children's Hospital of Eastern Ontario
Classification: Uncertain significance for Cardiomyopathy. Last evaluated: 2016-05-05. Review status: criteria provided, single submitter. Criteria: ACMG Guidelines, 2015. Collection method: clinical testing. Allele origin: germline. Study: Canadian Open Genetics Repository.

Laboratory for Molecular Medicine, Mass General Brigham Personalized Medicine
No classification provided. Last evaluated: 2013-04-26. Review status: no classification provided. Collection method: clinical testing. Allele origin: germline. Observed: 1 variant allele. Not counted in ClinVar's aggregate classification.